The following is an entry in ClinVar:

NM_020163.3(SEMA3G):c.459+3G>A

Gene: SEMA3G (semaphorin 3G; minus strand). Cytogenetic location: 3p21.1.
Variant type: single nucleotide variant.
Coding change: c.459+3G>A on transcript NM_020163.3 (MANE Select); 3 bases into the intron after coding-DNA position 459, G replaced by A.
Molecular consequence: intron variant.
Genome position (GRCh38, 1-based): chr3:52,442,182, C>T on the plus strand (G>A on the coding strand, the complement: SEMA3G is on the minus strand). VCF-style: chr3-52442182-C-T. GRCh37 (hg19) VCF-style: chr3-52476198-C-T.
Identifiers: ClinVar variation 3053925 (VCV003053925.2), dbSNP rs1325426003, ClinGen allele CA542905736.

ClinVar aggregate classification (germline): Likely benign (0 of 4 stars; one submission).

Conditions:
SEMA3G-related disorder. Also called: SEMA3G-related condition.

Allele frequency attached by ClinVar (database versions not stated): gnomAD exomes below 0.00001; TOPMed 0.00001.
gnomAD v4.1: 2 of 1,612,642 alleles (0.00012%); highest among the groups gnomAD compares: Admixed American, 0.0017%; no homozygotes.

Submission:

PreventionGenetics, part of Exact Sciences
Classification: Likely benign for SEMA3G-related condition. Last evaluated: 2022-11-17. Review status: no assertion criteria provided. Collection method: clinical testing. Allele origin: germline.
Comment: This variant is classified as likely benign based on ACMG/AMP sequence variant interpretation guidelines (Richards et al. 2015 PMID: 25741868, with internal and published modifications).